The following is an entry in ClinVar:

ClinVar aggregate classification (germline): Uncertain significance. Review status: criteria provided, multiple submitters, no conflicts (2 of 4 stars). 3 submissions from 2 submitters: Uncertain significance (3). Last evaluated 2025-04-26.

Conditions:
Malignant tumor of esophagus. Also called: Esophageal cancer; Esophageal cancer, somatic. Identifiers: Orphanet 99977, MedGen C0546837, MONDO:0007576, OMIM 133239.
Colorectal cancer, hereditary nonpolyposis, type 6. Also called: Colon cancer, hereditary nonpolyposis, type 6; Colon cancer, hereditary nonpolyposis, type 6, somatic. Identifiers: Orphanet 144, MedGen C1860896, MONDO:0013695, OMIM 614331.
Loeys-Dietz syndrome 2 (LDS2). Also called: TGFBR2-Related Loeys-Dietz Syndrome; Marfan syndrome, type 2 (formerly); AORTIC ANEURYSM, FAMILIAL THORACIC 3; MARFAN SYNDROME, TYPE II; Marfan Syndrome type 2; Marfan like connective tissue disorder. Identifiers: Orphanet 284973, Orphanet 558, MedGen C2674574, MONDO:0012427, OMIM 610168.
Familial thoracic aortic aneurysm and aortic dissection (TAAD). Also called: Thoracic aortic aneurysms and dissections. Identifiers: Orphanet 91387, MedGen C4707243, MONDO:0019625.

Submissions (3):

Labcorp Genetics (formerly Invitae), Labcorp
Classification: Uncertain significance for Familial thoracic aortic aneurysm and aortic dissection. Last evaluated: 2025-04-26. Review status: criteria provided, single submitter. Criteria: Invitae Variant Classification Sherloc (09022015). Collection method: clinical testing. Allele origin: germline.
Comment: This sequence change replaces glycine, which is neutral and non-polar, with alanine, which is neutral and non-polar, at codon 561 of the TGFBR2 protein (p.Gly561Ala). This variant is not present in population databases (gnomAD no frequency). This variant has not been reported in the literature in individuals affected with TGFBR2-related conditions. ClinVar contains an entry for this variant (Variation ID: 626183). Invitae Evidence Modeling of protein sequence and biophysical properties (such as structural, functional, and spatial information, amino acid conservation, physicochemical variation, residue mobility, and thermodynamic stability) indicates that this missense variant is not expected to disrupt TGFBR2 protein function with a negative predictive value of 95%. In summary, the available evidence is currently insufficient to determine the role of this variant in disease. Therefore, it has been classified as a Variant of Uncertain Significance.

Center for Genomics, Ann and Robert H. Lurie Children's Hospital of Chicago
Classification: Uncertain significance for Colorectal cancer, hereditary nonpolyposis, type 6; Loeys-Dietz syndrome 2. Last evaluated: 2018-10-15. Review status: criteria provided, single submitter. Criteria: ACMG Guidelines, 2015. Collection method: clinical testing. Allele origin: germline.
Comment: TGFBR2 NM_003242.5 exon 7 p.Gly561Ala (c.1682G>C): This variant has not been reported in the literature and is not present in large control databases. Evolutionary conservation and computational predictive tools for this variant are unclear. In summary, data on this variant is insufficient for disease classification. Therefore, the clinical significance of this variant is uncertain.

Center for Genomics, Ann and Robert H. Lurie Children's Hospital of Chicago
Classification: Uncertain significance for Loeys-Dietz syndrome 2; Colorectal cancer, hereditary nonpolyposis, type 6; Malignant tumor of esophagus. Review status: criteria provided, single submitter. Criteria: ACMG Guidelines, 2015. Collection method: clinical testing. Allele origin: germline.
Comment: TGFBR2 NM_003242.5 exon 7 p.Gly561Ala (c.1682G>C): This variant has not been reported in the literature and is not present in large control databases. Evolutionary conservation and computational predictive tools for this variant are unclear. In summary, data on this variant is insufficient for disease classification. Therefore, the clinical significance of this variant is uncertain

NM_003242.6(TGFBR2):c.1682G>C (p.Gly561Ala)

Gene: TGFBR2 (transforming growth factor beta receptor 2; plus strand). Cytogenetic location: 3p24.1.
Variant type: single nucleotide variant.
Coding change: c.1682G>C on transcript NM_003242.6 (MANE Select); coding-DNA position 1682, G replaced by C.
Protein change: p.Gly561Ala; replaces glycine 561 with alanine.
Molecular consequence: missense variant.
Genome position (GRCh38, 1-based): chr3:30,691,577, G>C. VCF-style: chr3-30691577-G-C. GRCh37 (hg19) VCF-style: chr3-30733069-G-C.
Other names: c.1709G>C, p.Gly570Ala (NM_001407128.1); c.1685G>C, p.Gly562Ala (NM_001407129.1); c.1679G>C, p.Gly560Ala (NM_001407130.1); c.1577G>C, p.Gly526Ala (NM_001407132.1, NM_001407133.1, NM_001407134.1 and 2 more transcripts); c.1397G>C, p.Gly466Ala (NM_001407137.1); c.1322G>C, p.Gly441Ala (NM_001407138.1); c.812G>C, p.Gly271Ala (NM_001407139.1); c.1757G>C, p.Gly586Ala (NM_001024847.3); and 2 more; short protein forms G586A, G561A, G271A, G441A, G466A, G526A, G560A, G570A.
Identifiers: ClinVar variation 626183 (VCV000626183.5), dbSNP rs1559473531, ClinGen allele CA351809822.